The following is an entry in ClinVar:

ClinVar aggregate classification (germline): Uncertain significance (1 of 4 stars; one submission).

Conditions:
Retinitis pigmentosa 73 (RP73). Identifiers: Orphanet 791, MedGen C4225287, MONDO:0014687, OMIM 616544.
Mucopolysaccharidosis, MPS-III-C (MPS3C). Also called: MPS IIIC (Sanfilippo Syndrome Type C); MUCOPOLYSACCHARIDOSIS, TYPE IIIC; Mucopolysaccharidosis type IIIC (Sanfilippo C); SANFILIPPO SYNDROME C; MPS III C; mucopolysaccharidosis type 3C. Identifiers: Orphanet 581, Orphanet 79271, MedGen C0086649, MONDO:0009657, OMIM 252930.

Allele frequency attached by ClinVar (database versions not stated): gnomAD exomes below 0.00001.
gnomAD v4.1: 1 of 1,609,066 alleles (0.000062%); highest among the groups gnomAD compares: Non-Finnish European, 0.000085%; no homozygotes.

Submission:

Labcorp Genetics (formerly Invitae), Labcorp
Classification: Uncertain significance for Retinitis pigmentosa 73; Mucopolysaccharidosis, MPS-III-C. Last evaluated: 2021-06-24. Review status: criteria provided, single submitter. Criteria: Invitae Variant Classification Sherloc (09022015). Collection method: clinical testing. Allele origin: germline.
Comment: This sequence change replaces glycine with aspartic acid at codon 424 of the HGSNAT protein (p.Gly424Asp). The glycine residue is highly conserved and there is a moderate physicochemical difference between glycine and aspartic acid. This variant is not present in population databases (ExAC no frequency). This variant has not been reported in the literature in individuals affected with HGSNAT-related conditions. Advanced modeling of protein sequence and biophysical properties (such as structural, functional, and spatial information, amino acid conservation, physicochemical variation, residue mobility, and thermodynamic stability) performed at Invitae indicates that this missense variant is expected to disrupt HGSNAT protein function. This variant disrupts the p.Gly424 amino acid residue in HGSNAT. Other variant(s) that disrupt this residue have been observed in individuals with HGSNAT-related conditions (PMID: 17033958, 20825431), which suggests that this may be a clinically significant amino acid residue. In summary, the available evidence is currently insufficient to determine the role of this variant in disease. Therefore, it has been classified as a Variant of Uncertain Significance.

Literature cited by the submitters: PubMed 17033958; PubMed 20825431.

NM_152419.3(HGSNAT):c.1271G>A (p.Gly424Asp)

Gene: HGSNAT (heparan-alpha-glucosaminide N-acetyltransferase; plus strand). Cytogenetic location: 8p11.21.
Variant type: single nucleotide variant.
Coding change: c.1271G>A on transcript NM_152419.3 (MANE Select); coding-DNA position 1271, G replaced by A.
Protein change: p.Gly424Asp; replaces glycine 424 with aspartic acid.
Molecular consequence: missense variant.
Genome position (GRCh38, 1-based): chr8:43,192,324, G>A. VCF-style: chr8-43192324-G-A. GRCh37 (hg19) VCF-style: chr8-43047467-G-A.
Other names: c.1271G>A, p.Gly424Asp (NM_001363227.2); c.1079G>A, p.Gly360Asp (NM_001363228.2); c.407G>A, p.Gly136Asp (NM_001363229.2); short protein forms G136D, G360D, G424D.
Identifiers: ClinVar variation 1370566 (VCV001370566.8), dbSNP rs2130807313, ClinGen allele CA371119572.